The following is an entry in ClinVar:

ClinVar aggregate classification (germline): Pathogenic (1 of 4 stars; one submission).

Submission:

Mayo Clinic Laboratories, Mayo Clinic
Classification: Pathogenic. Last evaluated: 2021-02-14. Review status: criteria provided, single submitter. Criteria: ACMG Guidelines, 2015. Collection method: clinical testing. Allele origin: germline. Observed: 1 variant allele.
Comment: A whole gene deletion of the TSC2 gene. PVS1, PS4_moderate, PM2

Literature cited by the submitters: PubMed 32211034; PubMed 12136241; PubMed 16114042; PubMed 17287951.

Single allele

Gene: TSC2 (TSC complex subunit 2; plus strand). Cytogenetic location: 16p13.3.
Variant type: Deletion.
Identifiers: ClinVar variation 1120166 (VCV001120166.5).